The following is an entry in ClinVar:

ClinVar aggregate classification (germline): Benign (1 of 4 stars; one submission).

Conditions:
Dilated cardiomyopathy 3B (CMD3B). Also called: CMD3B: DMD-Related Dilated Cardiomyopathy; CARDIOMYOPATHY, DILATED, X-LINKED; DMD-Associated Dilated Cardiomyopathy. Identifiers: Orphanet 154, MedGen C3668940, MONDO:0010542, OMIM 302045.

Allele frequency attached by ClinVar (database versions not stated): gnomAD 0.02917 and 0.03110; 1000 Genomes Project 0.03285; TOPMed 0.03342; 1000 Genomes Project 30x 0.03476.

Submission:

Illumina Laboratory Services, Illumina
Classification: Benign for Dilated cardiomyopathy 3B. Last evaluated: 2018-01-13. Review status: criteria provided, single submitter. Criteria: ICSL Variant Classification Criteria 13 December 2019. Collection method: clinical testing. Allele origin: germline.
Comment: This variant was observed in the ICSL laboratory as part of a predisposition screen in an ostensibly healthy population. It had not been previously curated by ICSL or reported in the Human Gene Mutation Database (HGMD: prior to June 1st, 2018), and was therefore a candidate for classification through an automated scoring system. Utilizing variant allele frequency, disease prevalence and penetrance estimates, and inheritance mode, an automated score was calculated to assess if this variant is too frequent to cause the disease. Based on the score and internal cut-off values, a variant classified as benign is not then subjected to further curation. The score for this variant resulted in a classification of benign for this disease.

NM_004006.3(DMD):c.*1799G>T

Gene: DMD (dystrophin; minus strand). Cytogenetic location: Xp21.2.
Variant type: single nucleotide variant.
Coding change: c.*1799G>T on transcript NM_004006.3 (MANE Select); 1799 bases downstream of the stop codon, G replaced by T.
Molecular consequence: 3 prime UTR variant.
Genome position (GRCh38, 1-based): chrX:31,120,120, C>A on the plus strand (G>T on the coding strand, the complement: DMD is on the minus strand). VCF-style: chrX-31120120-C-A. GRCh37 (hg19) VCF-style: chrX-31138237-C-A.
Other names: c.*1799G>T (NM_000109.4, NM_004009.3, NM_004010.3 and 7 more transcripts); c.*1713G>T (NM_004016.3, NM_004018.3, NM_004021.3 and 2 more transcripts).
Identifiers: ClinVar variation 912398 (VCV000912398.4), dbSNP rs16989350, ClinGen allele CA328400521.